The following is an entry in ClinVar:

NM_006766.5(KAT6A):c.4550G>T (p.Gly1517Val)

Gene: KAT6A (lysine acetyltransferase 6A; minus strand). Cytogenetic location: 8p11.21.
Variant type: single nucleotide variant.
Coding change: c.4550G>T on transcript NM_006766.5 (MANE Select); coding-DNA position 4550, G replaced by T.
Protein change: p.Gly1517Val; replaces glycine 1517 with valine.
Molecular consequence: missense variant.
Genome position (GRCh38, 1-based): chr8:41,933,670, C>A on the plus strand (G>T on the coding strand, the complement: KAT6A is on the minus strand). VCF-style: chr8-41933670-C-A. GRCh37 (hg19) VCF-style: chr8-41791188-C-A.
Other names: short protein forms G1517V.
Identifiers: ClinVar variation 2730763 (VCV002730763.3), dbSNP rs2486754394, ClinGen allele CA371065577.

ClinVar aggregate classification (germline): Uncertain significance (1 of 4 stars; one submission).

Submission:

Labcorp Genetics (formerly Invitae), Labcorp
Classification: Uncertain significance. Last evaluated: 2023-06-27. Review status: criteria provided, single submitter. Criteria: Invitae Variant Classification Sherloc (09022015). Collection method: clinical testing. Allele origin: germline.
Comment: In summary, the available evidence is currently insufficient to determine the role of this variant in disease. Therefore, it has been classified as a Variant of Uncertain Significance. Experimental studies and prediction algorithms are not available or were not evaluated, and the functional significance of this variant is currently unknown. This variant has not been reported in the literature in individuals affected with KAT6A-related conditions. This variant is not present in population databases (gnomAD no frequency). This sequence change replaces glycine, which is neutral and non-polar, with valine, which is neutral and non-polar, at codon 1517 of the KAT6A protein (p.Gly1517Val).